The following is an entry in ClinVar:

NM_078470.6(COX15):c.740C>T (p.Pro247Leu)

Gene: COX15 (cytochrome c oxidase assembly factor COX15; minus strand). Cytogenetic location: 10q24.2.
Variant type: single nucleotide variant.
Coding change: c.740C>T on transcript NM_078470.6 (MANE Select); coding-DNA position 740, C replaced by T.
Protein change: p.Pro247Leu; replaces proline 247 with leucine.
Molecular consequence: missense variant. On other transcripts: non-coding transcript variant (1).
Genome position (GRCh38, 1-based): chr10:99,723,966, G>A on the plus strand (C>T on the coding strand, the complement: COX15 is on the minus strand). VCF-style: chr10-99723966-G-A. GRCh37 (hg19) VCF-style: chr10-101483723-G-A.
Other names: c.740C>T, p.Pro247Leu (NM_001320974.2, NM_001320975.2, NM_001372024.1 and 5 more transcripts); c.203C>T, p.Pro68Leu (NM_001320976.2); short protein forms P247L, P68L.
Identifiers: ClinVar variation 2004867 (VCV002004867.4), dbSNP rs2492706033, ClinGen allele CA378103323.

ClinVar aggregate classification (germline): Uncertain significance (1 of 4 stars; one submission).

Submission:

Labcorp Genetics (formerly Invitae), Labcorp
Classification: Uncertain significance. Last evaluated: 2022-06-11. Review status: criteria provided, single submitter. Criteria: Invitae Variant Classification Sherloc (09022015). Collection method: clinical testing. Allele origin: germline.
Comment: In summary, the available evidence is currently insufficient to determine the role of this variant in disease. Therefore, it has been classified as a Variant of Uncertain Significance. Algorithms developed to predict the effect of missense changes on protein structure and function are either unavailable or do not agree on the potential impact of this missense change (SIFT: "Not Available"; PolyPhen-2: "Possibly Damaging"; Align-GVGD: "Not Available"). This variant has not been reported in the literature in individuals affected with COX15-related conditions. This variant is not present in population databases (gnomAD no frequency). This sequence change replaces proline, which is neutral and non-polar, with leucine, which is neutral and non-polar, at codon 247 of the COX15 protein (p.Pro247Leu).